The following is an entry in ClinVar:

ClinVar aggregate classification (germline): Uncertain significance. Review status: criteria provided, multiple submitters, no conflicts (2 of 4 stars). 9 submissions from 7 submitters: Uncertain significance (8). 1 of the submissions does not count toward it. Last evaluated 2026-07-07.

Conditions:
Usher syndrome type 1 (USH1). Also called: RETINITIS PIGMENTOSA AND CONGENITAL DEAFNESS. Identifiers: Orphanet 231169, Orphanet 886, MedGen C1568247, MONDO:0010168, OMIM 276900.
MYO7A-related disorder. Also called: MYO7A-related disorders.
Autosomal dominant nonsyndromic hearing loss 11. Identifiers: Orphanet 90635, MedGen C1832475, MONDO:0011032, OMIM 601317.
Autosomal recessive nonsyndromic hearing loss 2. Also called: DEAFNESS, AUTOSOMAL RECESSIVE 2; NEUROSENSORY NONSYNDROMIC RECESSIVE DEAFNESS 2. Identifiers: Orphanet 90636, MedGen C1838701, MONDO:0010807, OMIM 600060.
Usher syndrome type 1B (USH1B). Also called: Usher syndrome type IB. Identifiers: MedGen C1848638, MONDO:0700087.

Allele frequency attached by ClinVar (database versions not stated): gnomAD exomes 0.00005; TOPMed 0.00008.
gnomAD v4.1: 132 of 1,553,176 alleles (0.0085%); highest among the groups gnomAD compares: Non-Finnish European, 0.0095%; no homozygotes.

Submissions (9):

PreventionGenetics, part of Exact Sciences
Classification: Uncertain significance for MYO7A-related condition. Last evaluated: 2026-07-07. Review status: criteria provided, single submitter. Criteria: ACMG Guidelines, 2015. Collection method: clinical testing. Allele origin: germline.
Comment: The MYO7A c.1871C>T variant is predicted to result in the amino acid substitution p.Thr624Met. To our knowledge, this variant has not been reported in the literature. This variant is reported in 0.016% of alleles in individuals of East Asian descent in gnomAD. At this time, the clinical significance of this variant is uncertain due to the absence of conclusive functional and genetic evidence.

Labcorp Genetics (formerly Invitae), Labcorp
Classification: Uncertain significance. Last evaluated: 2024-12-04. Review status: criteria provided, single submitter. Criteria: Invitae Variant Classification Sherloc (09022015). Collection method: clinical testing. Allele origin: germline.
Comment: This sequence change replaces threonine, which is neutral and polar, with methionine, which is neutral and non-polar, at codon 624 of the MYO7A protein (p.Thr624Met). This variant is present in population databases (no rsID available, gnomAD 0.02%). This variant has not been reported in the literature in individuals affected with MYO7A-related conditions. ClinVar contains an entry for this variant (Variation ID: 882707). Invitae Evidence Modeling of protein sequence and biophysical properties (such as structural, functional, and spatial information, amino acid conservation, physicochemical variation, residue mobility, and thermodynamic stability) indicates that this missense variant is expected to disrupt MYO7A protein function with a positive predictive value of 95%. In summary, the available evidence is currently insufficient to determine the role of this variant in disease. Therefore, it has been classified as a Variant of Uncertain Significance.

GeneDx
Classification: Uncertain significance. Last evaluated: 2024-08-01. Review status: criteria provided, single submitter. Criteria: GeneDx Variant Classification Process June 2021. Collection method: clinical testing. Allele origin: germline. Affected: yes.
Comment: In silico analysis supports that this missense variant has a deleterious effect on protein structure/function; Has not been previously published as pathogenic or benign to our knowledge

Blueprint Genetics
Classification: Uncertain significance. Last evaluated: 2024-05-16. Review status: criteria provided, single submitter. Criteria: ACMG Guidelines, 2015. Collection method: clinical testing. Allele origin: germline.

Fulgent Genetics
Classification: Uncertain significance for Usher syndrome type 1; Autosomal recessive nonsyndromic hearing loss 2; Autosomal dominant nonsyndromic hearing loss 11. Last evaluated: 2021-12-15. Review status: criteria provided, single submitter. Criteria: ACMG Guidelines, 2015. Collection method: clinical testing. Allele origin: unknown.

Illumina Laboratory Services, Illumina
Classification: Uncertain significance for Usher syndrome type 1. Last evaluated: 2018-01-13. Review status: criteria provided, single submitter. Criteria: ICSL Variant Classification Criteria 13 December 2019. Collection method: clinical testing. Allele origin: germline.

Illumina Laboratory Services, Illumina
Classification: Uncertain significance for Autosomal recessive nonsyndromic hearing loss 2. Last evaluated: 2018-01-13. Review status: criteria provided, single submitter. Criteria: ICSL Variant Classification Criteria 13 December 2019. Collection method: clinical testing. Allele origin: germline.

Illumina Laboratory Services, Illumina
Classification: Uncertain significance for Autosomal dominant nonsyndromic hearing loss 11. Last evaluated: 2018-01-13. Review status: criteria provided, single submitter. Criteria: ICSL Variant Classification Criteria 13 December 2019. Collection method: clinical testing. Allele origin: germline.

Natera, Inc.
Classification: Uncertain significance for Usher syndrome type 1B. Last evaluated: 2020-04-16. Review status: no assertion criteria provided. Collection method: clinical testing. Allele origin: germline. Not counted in ClinVar's aggregate classification.

NM_000260.4(MYO7A):c.1871C>T (p.Thr624Met)

Gene: MYO7A (myosin VIIA; plus strand). Cytogenetic location: 11q13.5.
Variant type: single nucleotide variant.
Coding change: c.1871C>T on transcript NM_000260.4 (MANE Select); coding-DNA position 1871, C replaced by T.
Protein change: p.Thr624Met; replaces threonine 624 with methionine.
Molecular consequence: missense variant.
Genome position (GRCh38, 1-based): chr11:77,172,821, C>T. VCF-style: chr11-77172821-C-T. GRCh37 (hg19) VCF-style: chr11-76883867-C-T.
Other names: c.1871C>T, p.Thr624Met (NM_001127180.2); c.1838C>T, p.Thr613Met (NM_001369365.1); short protein forms T613M, T624M.
Identifiers: ClinVar variation 882707 (VCV000882707.14), dbSNP rs953533173, ClinGen allele CA224836137.